The following is an entry in ClinVar:

NM_006231.4(POLE):c.505G>A (p.Glu169Lys)

Gene: POLE (DNA polymerase epsilon, catalytic subunit; minus strand). Cytogenetic location: 12q24.33.
Variant type: single nucleotide variant.
Coding change: c.505G>A on transcript NM_006231.4 (MANE Select); coding-DNA position 505, G replaced by A.
Protein change: p.Glu169Lys; replaces glutamic acid 169 with lysine.
Molecular consequence: missense variant.
Genome position (GRCh38, 1-based): chr12:132,679,570, C>T on the plus strand (G>A on the coding strand, the complement: POLE is on the minus strand). VCF-style: chr12-132679570-C-T. GRCh37 (hg19) VCF-style: chr12-133256156-C-T.
Other names: short protein forms E169K.
Identifiers: ClinVar variation 852845 (VCV000852845.9), dbSNP rs2043123839, ClinGen allele CA387367125.

ClinVar aggregate classification (germline): Uncertain significance (1 of 4 stars; one submission).

Submission:

Labcorp Genetics (formerly Invitae), Labcorp
Classification: Uncertain significance. Last evaluated: 2022-01-12. Review status: criteria provided, single submitter. Criteria: Invitae Variant Classification Sherloc (09022015). Collection method: clinical testing. Allele origin: germline.
Comment: In summary, the available evidence is currently insufficient to determine the role of this variant in disease. Therefore, it has been classified as a Variant of Uncertain Significance. This sequence change replaces glutamic acid, which is acidic and polar, with lysine, which is basic and polar, at codon 169 of the POLE protein (p.Glu169Lys). This variant is not present in population databases (gnomAD no frequency). This variant has not been reported in the literature in individuals affected with POLE-related conditions. ClinVar contains an entry for this variant (Variation ID: 852845). Algorithms developed to predict the effect of missense changes on protein structure and function (SIFT, PolyPhen-2, Align-GVGD) all suggest that this variant is likely to be tolerated.